The following is an entry in ClinVar:

ClinVar aggregate classification (germline): Conflicting classifications of pathogenicity. Review status: criteria provided, conflicting classifications (1 of 4 stars). 9 submissions from 9 submitters: Uncertain significance (7); Likely benign (1). 1 of the submissions does not count toward it. Last evaluated 2026-03-01.

Conditions:
Inborn genetic diseases. Identifiers: MedGen C0950123, MeSH D030342.
Hereditary spherocytosis type 5. Also called: EPB42-Related Spherocytosis; EPB42-Related Hereditary Spherocytosis. Identifiers: Orphanet 822, MedGen C2675192, MONDO:0012985, OMIM 612690.
EPB42-related disorder. Also called: EPB42-related condition.

Allele frequency attached by ClinVar (database versions not stated): ExAC 0.00025; gnomAD exomes 0.00035 and 0.00069; gnomAD 0.00041 and 0.00042; ESP Exome Variant Server 0.00046; TOPMed 0.00051.
gnomAD v4.1: 1,073 of 1,614,098 alleles (0.066%); highest among the groups gnomAD compares: Non-Finnish European, 0.083%; no homozygotes.

Submissions (9):

CeGaT Center for Human Genetics Tuebingen
Classification: Uncertain significance. Last evaluated: 2026-03-01. Review status: criteria provided, single submitter. Criteria: CeGaT Center For Human Genetics Tuebingen Variant Classification Criteria Version 2. Collection method: clinical testing. Allele origin: germline. Affected: yes. Observed: 1 variant allele.
Comment: EPB42: PM2, BP4

Labcorp Genetics (formerly Invitae), Labcorp
Classification: Likely benign. Last evaluated: 2025-11-27. Review status: criteria provided, single submitter. Criteria: Invitae Variant Classification Sherloc (09022015). Collection method: clinical testing. Allele origin: germline.

Blueprint Genetics
Classification: Uncertain significance. Last evaluated: 2024-09-05. Review status: criteria provided, single submitter. Criteria: ACMG Guidelines, 2015. Collection method: clinical testing. Allele origin: germline.

ARUP Laboratories, Molecular Genetics and Genomics, ARUP Laboratories
Classification: Uncertain significance for Hereditary spherocytosis type 5. Last evaluated: 2023-11-30. Review status: criteria provided, single submitter. Criteria: ARUP Molecular Germline Variant Investigation Process 2024. Collection method: clinical testing. Allele origin: germline.

Revvity Omics, Revvity
Classification: Uncertain significance for Hereditary spherocytosis type 5. Last evaluated: 2023-09-26. Review status: criteria provided, single submitter. Criteria: ACMG Guidelines, 2015. Collection method: clinical testing. Allele origin: germline.

Mayo Clinic Laboratories, Mayo Clinic
Classification: Uncertain significance. Last evaluated: 2022-07-08. Review status: criteria provided, single submitter. Criteria: ACMG Guidelines, 2015. Collection method: clinical testing. Allele origin: germline. Observed: 1 variant allele.
Comment: BP4

Ambry Genetics
Classification: Uncertain significance for Inborn genetic diseases. Last evaluated: 2021-07-08. Review status: criteria provided, single submitter. Criteria: Ambry Variant Classification Scheme 2023. Collection method: clinical testing. Allele origin: germline.

Illumina Laboratory Services, Illumina
Classification: Uncertain significance for Hereditary spherocytosis type 5. Last evaluated: 2018-01-12. Review status: criteria provided, single submitter. Criteria: ICSL Variant Classification Criteria 13 December 2019. Collection method: clinical testing. Allele origin: germline.

PreventionGenetics, part of Exact Sciences
Classification: Likely benign for EPB42-related condition. Last evaluated: 2022-08-12. Review status: no assertion criteria provided. Collection method: clinical testing. Allele origin: germline. Not counted in ClinVar's aggregate classification.
Comment: This variant is classified as likely benign based on ACMG/AMP sequence variant interpretation guidelines (Richards et al. 2015 PMID: 25741868, with internal and published modifications).

NM_001114134.2(EPB42):c.2032A>G (p.Asn678Asp)

Gene: EPB42 (erythrocyte membrane protein band 4.2; minus strand). Cytogenetic location: 15q15.2.
Variant type: single nucleotide variant.
Coding change: c.2032A>G on transcript NM_001114134.2 (MANE Select); coding-DNA position 2032, A replaced by G.
Protein change: p.Asn678Asp; replaces asparagine 678 with aspartic acid.
Molecular consequence: missense variant.
Genome position (GRCh38, 1-based): chr15:43,197,346, T>C on the plus strand (A>G on the coding strand, the complement: EPB42 is on the minus strand). VCF-style: chr15-43197346-T-C. GRCh37 (hg19) VCF-style: chr15-43489544-T-C.
Other names: p.Asn708Asp; c.2122A>G, p.Asn708Asp (NM_000119.3); short protein forms N708D, N678D.
Identifiers: ClinVar variation 316007 (VCV000316007.21), dbSNP rs201674874, ClinGen allele CA7520140.
Genomic context (GRCh38, chr15:43,197,346, plus strand): 5'-TGATAGAGCTGGAAGTTTAAGCTGATAGTTCAGGGGCTACCACGGTGACGCTTTTATAGT[T>C]GGTTAGGTTCTGGAACATGTTGCAGTCCACTTCCACAGTGAGTCTCTGGAGCCCCACATG-3'
Protein context (NP_001107606.1, residues 668-688): VDCNMFQNLT[Asn678Asp]YKSVTVVAPE